The following is an entry in ClinVar:

NM_032119.4(ADGRV1):c.7025T>G (p.Ile2342Ser)

Gene: ADGRV1 (adhesion G protein-coupled receptor V1; plus strand). Cytogenetic location: 5q14.3.
Variant type: single nucleotide variant.
Coding change: c.7025T>G on transcript NM_032119.4 (MANE Select); coding-DNA position 7025, T replaced by G.
Protein change: p.Ile2342Ser; replaces isoleucine 2342 with serine.
Molecular consequence: missense variant. On other transcripts: non-coding transcript variant (1).
Genome position (GRCh38, 1-based): chr5:90,692,678, T>G. VCF-style: chr5-90692678-T-G. GRCh37 (hg19) VCF-style: chr5-89988495-T-G.
Other names: short protein forms I2342S.
Identifiers: ClinVar variation 1516874 (VCV001516874.8), dbSNP rs2149632004, ClinGen allele CA360371197.

ClinVar aggregate classification (germline): Uncertain significance (1 of 4 stars; one submission).

Submission:

Labcorp Genetics (formerly Invitae), Labcorp
Classification: Uncertain significance. Last evaluated: 2022-05-11. Review status: criteria provided, single submitter. Criteria: Invitae Variant Classification Sherloc (09022015). Collection method: clinical testing. Allele origin: germline.
Comment: This variant has not been reported in the literature in individuals affected with ADGRV1-related conditions. This sequence change replaces isoleucine, which is neutral and non-polar, with serine, which is neutral and polar, at codon 2342 of the ADGRV1 protein (p.Ile2342Ser). This variant is not present in population databases (gnomAD no frequency). Algorithms developed to predict the effect of missense changes on protein structure and function are either unavailable or do not agree on the potential impact of this missense change (SIFT: "Deleterious"; PolyPhen-2: "Possibly Damaging"; Align-GVGD: "Class C0"). In summary, the available evidence is currently insufficient to determine the role of this variant in disease. Therefore, it has been classified as a Variant of Uncertain Significance.